The following is an entry in ClinVar:

NM_001184880.2(PCDH19):c.218_219insG (p.Asp73fs)

Gene: PCDH19 (protocadherin 19; minus strand). Cytogenetic location: Xq22.1.
Variant type: Insertion.
Coding change: c.218_219insG on transcript NM_001184880.2 (MANE Select); coding-DNA positions 218 to 219, G inserted.
Protein change: p.Asp73fs; shifts the reading frame from aspartic acid 73.
Molecular consequence: frameshift variant.
Genome position: GRCh38 VCF-style: chrX-100408379-G-GC. GRCh37 (hg19) VCF-style: chrX-99663377-G-GC.
Other names: c.218_219insG, p.Asp73fs (NM_001105243.2, NM_020766.3); short protein forms D73fs.
Identifiers: ClinVar variation 206367 (VCV000206367.1), dbSNP rs796052841, ClinGen allele CA316426.
Genomic context (GRCh38, chrX:100,408,379, plus strand): 5'-GCACAGCAGATCACGGTCAATCTTCTGCTTGGTGACCAGCAGGCCAGAGCTGGGATTGAT[G>GC]TCCACTAGGTGTGGAGCCGAGTTGGACACCACGCGAAAGGCTGAAGCCTGCCGGGGGTCC-3'

ClinVar aggregate classification (germline): Pathogenic (1 of 4 stars; one submission).

Submission:

GeneDx
Classification: Pathogenic. Last evaluated: 2014-08-12. Review status: criteria provided, single submitter. Criteria: GeneDx Variant Classification (06012015). Collection method: clinical testing. Allele origin: germline. Affected: yes.
Comment: The c.218_219insG variant and the c.199_207delTCGGCTCCA variants are found in cis in the PCDH19 gene. Together, these variants (aka c.199_218del20ins12) cause a frameshift starting with codon Serine 67, changes this amino acid to a Histidine residue and creates a premature Stop codon at position 19 of the new reading frame, denoted p.Ser67HisfsX19. This is predicted to cause loss of normal protein function either through protein truncation or nonsense-mediated mRNA decay. Although neither of these variants have been seen independently or in cis, their presence on the same allele is consistent with a diagnosis of a PCDH19-related disorder. The variant is found in EPILEPSY panel(s).